The following is an entry in ClinVar:

NM_001844.5(COL2A1):c.4453T>C (p.Cys1485Arg)

Gene: COL2A1 (collagen type II alpha 1 chain; minus strand). Cytogenetic location: 12q13.11.
Variant type: single nucleotide variant.
Coding change: c.4453T>C on transcript NM_001844.5 (MANE Select); coding-DNA position 4453, T replaced by C.
Protein change: p.Cys1485Arg; replaces cysteine 1485 with arginine.
Molecular consequence: missense variant.
Genome position (GRCh38, 1-based): chr12:47,973,418, A>G on the plus strand (T>C on the coding strand, the complement: COL2A1 is on the minus strand). VCF-style: chr12-47973418-A-G. GRCh37 (hg19) VCF-style: chr12-48367201-A-G.
Other names: c.4246T>C, p.Cys1416Arg (NM_033150.3); short protein forms C1485R, C1416R.
Identifiers: ClinVar variation 597508 (VCV000597508.13), dbSNP rs1565664095, ClinGen allele CA384533089.
Genomic context (GRCh38, chr12:47,973,418, plus strand): 5'-TGGGTCCTTTGGGTTTGCAACGGATTGTGTTGTTTCTGGGTTCAGGTTTTTACAAGAAGC[A>G]GACCGGCCCTATGTCCACACCGAATTCCTGCTCGGGCCCTCCTATGTCCATGGGTGCAAT-3'
Protein context (NP_001835.3, residues 1475-1487): QEFGVDIGPV[Cys1485Arg]FL

ClinVar aggregate classification (germline): Conflicting classifications of pathogenicity. Review status: criteria provided, conflicting classifications (1 of 4 stars). 3 submissions from 3 submitters: Pathogenic (1); Likely pathogenic (1); Uncertain significance (1). Last evaluated 2024-09-06.

Conditions:
Spondyloepiphyseal dysplasia congenita (SEDC). Also called: SED CONGENITA; SPONDYLOEPIPHYSEAL DYSPLASIA, CONGENITAL TYPE. Identifiers: Orphanet 94068, MedGen C2745959, MONDO:0008471, OMIM 183900.

Submissions (3):

Labcorp Genetics (formerly Invitae), Labcorp
Classification: Pathogenic. Last evaluated: 2024-09-06. Review status: criteria provided, single submitter. Criteria: Invitae Variant Classification Sherloc (09022015). Collection method: clinical testing. Allele origin: germline.
Comment: This sequence change replaces cysteine, which is neutral and slightly polar, with arginine, which is basic and polar, at codon 1485 of the COL2A1 protein (p.Cys1485Arg). This variant is not present in population databases (gnomAD no frequency). This missense change has been observed in individual(s) with clinical features of autosomal dominant COL2A1-related conditions (PMID: 31019026; internal data). In at least one individual the variant was observed to be de novo. ClinVar contains an entry for this variant (Variation ID: 597508). Invitae Evidence Modeling of protein sequence and biophysical properties (such as structural, functional, and spatial information, amino acid conservation, physicochemical variation, residue mobility, and thermodynamic stability) indicates that this missense variant is expected to disrupt COL2A1 protein function with a positive predictive value of 95%. This variant disrupts the p.Cys1485 amino acid residue in COL2A1. Other variant(s) that disrupt this residue have been observed in individuals with COL2A1-related conditions (PMID: 15643621), which suggests that this may be a clinically significant amino acid residue. For these reasons, this variant has been classified as Pathogenic.

Eurofins Ntd Llc (ga)
Classification: Uncertain significance. Last evaluated: 2018-06-18. Review status: criteria provided, single submitter. Criteria: EGL ClinVar v180209 classification definitions. Collection method: clinical testing. Allele origin: germline. Observed: 1 variant allele, 1 heterozygote.

Rady Children's Institute for Genomic Medicine, Rady Children's Hospital San Diego
Classification: Likely pathogenic for SPONDYLOEPIPHYSEAL DYSPLASIA CONGENITA. Last evaluated: 2018-05-01. Review status: criteria provided, single submitter. Criteria: ACMG Guidelines, 2015. Collection method: clinical testing. Allele origin: germline. Affected: yes. Observed: 1 variant allele.
Comment: This variant is not present in the population SNP databases, and thus is predicted to be rare in the population. A different substitution at the same amino acid residue (c.4453T>G; p.Cys1485Gly) was previously reported as pathogenic in a patient with a platyspondylic lethal skeletal dysplasia, Torrance type (PMID: 15643621). Multiple in silico algorithms predict the p.Cys1485Arg change to be damaging. In addition, there are multiple reports of other pathogenic variants in this exon in the Human Gene Mutation Database (HGMD), as well as medical literature, to be associated with skeletal dysplasias (PMID: 15643621, 26626311, 15895462, 17163530), indicating that this C-terminus region of collagen type II is an important region for the protein function (PMID: 15643621). Based on the combined evidence, the c.4453T>C (p.Cys1485Arg) variant is classified as likely pathogenic.

Literature cited by the submitters: PubMed 31019026 (cited by Labcorp Genetics (formerly Invitae), Labcorp); PubMed 15643621 (cited by Labcorp Genetics (formerly Invitae), Labcorp).